The following is an entry in ClinVar:

ClinVar aggregate classification (germline): Uncertain significance (1 of 4 stars; one submission).

Conditions:
Inborn genetic diseases. Identifiers: MedGen C0950123, MeSH D030342.

Allele frequency attached by ClinVar (database versions not stated): ExAC 0.00002; gnomAD exomes 0.00002 and 0.00005; TOPMed 0.00003; gnomAD 0.00004; ESP Exome Variant Server 0.00019.
gnomAD v4.1: 55 of 1,209,879 alleles (0.0045%); highest among the groups gnomAD compares: Non-Finnish European, 0.0061%; no homozygotes.

Submission:

Ambry Genetics
Classification: Uncertain significance for Inborn genetic diseases. Last evaluated: 2013-07-15. Review status: criteria provided, single submitter. Criteria: Ambry Autosomal Dominant and X-Linked criteria (10/2015). Collection method: clinical testing. Allele origin: germline. Observed: 1 variant allele.
Comment: <u>Ã¢â‚¬â€¹AFF2 c.1445G>C (p.G482A):</u>The c.1445G>C (p.G482A) alteration is located in exon 10 of the AFF2 gene. This alteration results from a G to C substitution at nucleotide position 1445. The glycine (G) at codon 482 is replaced by alanine (A).The missense change is not observed in healthy cohorts:Based on data from the NHLBI Exome Sequencing Project (ESP), the AFF2 c.1445G>C (p.G482A) alteration has not been observed among 1997 (0%) total male alleles studied or in the homozygous state in 3382 (0%) females studied. Allele frequency data for this nucleotide position are not currently available from the 1000 Genomes Project. The alteration is currently listed in the Database of Single Nucleotide Polymorphisms (dbSNP) as rs145907183.The altered amino acid is not conserved throughout evolution:The G482 amino acid is not conserved throughout vertebrates.The alteration is predicted benign by in silico models:The p.G482A alteration is predicted to be benign by Polyphen and SIFT in silico analyses.Based on the available evidence, the deleterious nature of the AFF2 c.1445G>C (p.G482A) alteration is uncertain.

NM_002025.4(AFF2):c.1445G>C (p.Gly482Ala)

Gene: AFF2 (ALF transcription elongation factor 2; plus strand). Cytogenetic location: Xq28.
Variant type: single nucleotide variant.
Coding change: c.1445G>C on transcript NM_002025.4 (MANE Select); coding-DNA position 1445, G replaced by C.
Protein change: p.Gly482Ala; replaces glycine 482 with alanine.
Molecular consequence: missense variant.
Genome position (GRCh38, 1-based): chrX:148,953,627, G>C. VCF-style: chrX-148953627-G-C. GRCh37 (hg19) VCF-style: chrX-148035157-G-C.
Other names: c.1346G>C, p.Gly449Ala (NM_001169122.2); c.1415G>C, p.Gly472Ala (NM_001169123.2); c.1340G>C, p.Gly447Ala (NM_001169124.2); c.1328G>C, p.Gly443Ala (NM_001169125.2); c.368G>C, p.Gly123Ala (NM_001170628.1); short protein forms G482A, G123A, G443A, G447A, G449A, G472A.
Identifiers: ClinVar variation 225067 (VCV000225067.4), dbSNP rs145907183, ClinGen allele CA358151.